The following is an entry in ClinVar:

ClinVar aggregate classification (germline): Uncertain significance. Review status: criteria provided, multiple submitters, no conflicts (2 of 4 stars). 2 submissions from 2 submitters: Uncertain significance (2). Last evaluated 2025-12-24.

Conditions:
Hereditary cancer-predisposing syndrome. Also called: Hereditary Cancer Syndrome; Neoplastic Syndromes, Hereditary; Tumor predisposition; Hereditary neoplastic syndrome. Identifiers: Orphanet 140162, MedGen C0027672, MeSH D009386, MONDO:0015356.
Fanconi anemia complementation group O. Also called: RAD51C-Related Fanconi Anemia. Identifiers: Orphanet 84, MedGen C3150653, MONDO:0013248, OMIM 613390.

gnomAD v4.1: 1 of 1,611,676 alleles (0.000062%); highest among the groups gnomAD compares: East Asian, 0.0022%; no homozygotes.

Submissions (2):

Ambry Genetics
Classification: Uncertain significance for Hereditary cancer-predisposing syndrome. Last evaluated: 2025-12-24. Review status: criteria provided, single submitter. Criteria: Ambry Variant Classification Scheme 2023. Collection method: clinical testing. Allele origin: germline.
Comment: The p.K342E variant (also known as c.1024A>G), located in coding exon 8 of the RAD51C gene, results from an A to G substitution at nucleotide position 1024. The lysine at codon 342 is replaced by glutamic acid, an amino acid with similar properties. This amino acid position is conserved. In addition, this alteration is predicted to be tolerated by in silico analysis. Based on the available evidence, the clinical significance of this variant remains unclear.

Labcorp Genetics (formerly Invitae), Labcorp
Classification: Uncertain significance for Fanconi anemia complementation group O. Last evaluated: 2024-07-02. Review status: criteria provided, single submitter. Criteria: Invitae Variant Classification Sherloc (09022015). Collection method: clinical testing. Allele origin: germline.
Comment: This sequence change replaces lysine, which is basic and polar, with glutamic acid, which is acidic and polar, at codon 342 of the RAD51C protein (p.Lys342Glu). This variant is not present in population databases (gnomAD no frequency). This variant has not been reported in the literature in individuals affected with RAD51C-related conditions. An algorithm developed to predict the effect of missense changes on protein structure and function (PolyPhen-2) suggests that this variant is likely to be tolerated. In summary, the available evidence is currently insufficient to determine the role of this variant in disease. Therefore, it has been classified as a Variant of Uncertain Significance.

NM_058216.3(RAD51C):c.1024A>G (p.Lys342Glu)

Gene: RAD51C (RAD51 paralog C; plus strand). Cytogenetic location: 17q22.
Variant type: single nucleotide variant.
Coding change: c.1024A>G on transcript NM_058216.3 (MANE Select); coding-DNA position 1024, A replaced by G.
Protein change: p.Lys342Glu; replaces lysine 342 with glutamic acid.
Molecular consequence: missense variant. On other transcripts: non-coding transcript variant (1).
Genome position (GRCh38, 1-based): chr17:58,732,542, A>G. VCF-style: chr17-58732542-A-G. GRCh37 (hg19) VCF-style: chr17-56809903-A-G.
Other names: short protein forms K342E.
Identifiers: ClinVar variation 3657419 (VCV003657419.3).